The following is an entry in ClinVar:

NM_001283009.2(RTEL1):c.3247C>G (p.Leu1083Val)

Genes: RTEL1 (regulator of telomere elongation helicase 1; plus strand), RTEL1-TNFRSF6B (RTEL1-TNFRSF6B readthrough (NMD candidate); plus strand). Cytogenetic location: 20q13.33.
Variant type: single nucleotide variant.
Coding change: c.3247C>G on transcript NM_001283009.2 (MANE Select); coding-DNA position 3247, C replaced by G.
Protein change: p.Leu1083Val; replaces leucine 1083 with valine.
Molecular consequence: missense variant. On other transcripts: non-coding transcript variant (1).
Genome position (GRCh38, 1-based): chr20:63,694,878, C>G. VCF-style: chr20-63694878-C-G. GRCh37 (hg19) VCF-style: chr20-62326231-C-G.
Other names: c.2578C>G, p.Leu860Val (NM_001283010.1); c.3247C>G, p.Leu1083Val (NM_016434.4); c.3319C>G, p.Leu1107Val (NM_032957.5); short protein forms L1107V, L1083V, L860V.
Identifiers: ClinVar variation 3791057 (VCV003791057.1).

ClinVar aggregate classification (germline): Uncertain significance (1 of 4 stars; one submission).

Conditions:
Inborn genetic diseases. Identifiers: MedGen C0950123, MeSH D030342.

gnomAD v4.1: 2 of 1,612,686 alleles (0.00012%); highest among the groups gnomAD compares: Non-Finnish European, 0.00017%; no homozygotes.

Submission:

Ambry Genetics
Classification: Uncertain significance for Inborn genetic diseases. Last evaluated: 2025-01-11. Review status: criteria provided, single submitter. Criteria: Ambry Variant Classification Scheme 2023. Collection method: clinical testing. Allele origin: germline.
Comment: The p.L1083V variant (also known as c.3247C>G), located in coding exon 31 of the RTEL1 gene, results from a C to G substitution at nucleotide position 3247. The leucine at codon 1083 is replaced by valine, an amino acid with highly similar properties. This amino acid position is conserved. In addition, the in silico prediction for this alteration is inconclusive. Based on the available evidence, the clinical significance of this variant remains unclear.